The following is an entry in ClinVar:

ClinVar aggregate classification (germline): Uncertain significance (1 of 4 stars; one submission).

Submission:

CeGaT Center for Human Genetics Tuebingen
Classification: Uncertain significance. Last evaluated: 2024-02-01. Review status: criteria provided, single submitter. Criteria: CeGaT Center For Human Genetics Tuebingen Variant Classification Criteria Version 2. Collection method: clinical testing. Allele origin: germline. Affected: yes. Observed: 1 variant allele.
Comment: KCNQ1OT1: PM2

NM_000218.3(KCNQ1):c.1394-11948T>G

Genes: KCNQ1 (potassium voltage-gated channel subfamily Q member 1; plus strand), KCNQ1OT1 (KCNQ1 opposite strand/antisense transcript 1; minus strand). Cytogenetic location: 11p15.5.
Variant type: single nucleotide variant.
Coding change: c.1394-11948T>G on transcript NM_000218.3 (MANE Select); 11948 bases into the intron before coding-DNA position 1394, T replaced by G.
Molecular consequence: intron variant. On other transcripts: non-coding transcript variant (1).
Genome position (GRCh38, 1-based): chr11:2,650,013, T>G. VCF-style: chr11-2650013-T-G. GRCh37 (hg19) VCF-style: chr11-2671243-T-G.
Other names: c.1124-11948T>G (NM_001406837.1); c.1298-11948T>G (NM_001406836.1); c.854-11948T>G (NM_001406838.1); c.1013-11948T>G (NM_181798.2).
Identifiers: ClinVar variation 3027190 (VCV003027190.22), dbSNP rs2493842253, ClinGen allele CA472167795.